The following is an entry in ClinVar:

ClinVar aggregate classification (germline): Uncertain significance (1 of 4 stars; one submission).

Submission:

Labcorp Genetics (formerly Invitae), Labcorp
Classification: Uncertain significance. Last evaluated: 2025-03-22. Review status: criteria provided, single submitter. Criteria: Invitae Variant Classification Sherloc (09022015). Collection method: clinical testing. Allele origin: germline.
Comment: This sequence change replaces valine, which is neutral and non-polar, with isoleucine, which is neutral and non-polar, at codon 171 of the APRT protein (p.Val171Ile). This variant is present in population databases (rs769693316, gnomAD 0.01%). This variant has not been reported in the literature in individuals affected with APRT-related conditions. An algorithm developed to predict the effect of missense changes on protein structure and function outputs the following: PolyPhen-2: "Benign". The isoleucine amino acid residue is found in multiple mammalian species, which suggests that this missense change does not adversely affect protein function. In summary, the available evidence is currently insufficient to determine the role of this variant in disease. Therefore, it has been classified as a Variant of Uncertain Significance.

NM_000485.3(APRT):c.511G>A (p.Val171Ile)

Gene: APRT (adenine phosphoribosyltransferase; minus strand). Cytogenetic location: 16q24.3.
Variant type: single nucleotide variant.
Coding change: c.511G>A on transcript NM_000485.3 (MANE Select); coding-DNA position 511, G replaced by A.
Protein change: p.Val171Ile; replaces valine 171 with isoleucine.
Molecular consequence: missense variant. On other transcripts: intron variant (1).
Genome position (GRCh38, 1-based): chr16:88,809,730, C>T on the plus strand (G>A on the coding strand, the complement: APRT is on the minus strand). VCF-style: chr16-88809730-C-T. GRCh37 (hg19) VCF-style: chr16-88876138-C-T.
Other names: c.401-24G>A (NM_001030018.2); short protein forms V171I.
Identifiers: ClinVar variation 4775998 (VCV004775998.1).